The following is an entry in ClinVar:

NM_001035.3(RYR2):c.9493G>A (p.Ala3165Thr)

Gene: RYR2 (ryanodine receptor 2; plus strand). Cytogenetic location: 1q43.
Variant type: single nucleotide variant.
Coding change: c.9493G>A on transcript NM_001035.3 (MANE Select); coding-DNA position 9493, G replaced by A.
Protein change: p.Ala3165Thr; replaces alanine 3165 with threonine.
Molecular consequence: missense variant.
Genome position (GRCh38, 1-based): chr1:237,705,256, G>A. VCF-style: chr1-237705256-G-A. GRCh37 (hg19) VCF-style: chr1-237868556-G-A.
Other names: c.9493G>A (NM_001035.2); short protein forms A3165T.
Identifiers: ClinVar variation 3730578 (VCV003730578.4).

ClinVar aggregate classification (germline): Uncertain significance. Review status: criteria provided, multiple submitters, no conflicts (2 of 4 stars). 4 submissions from 4 submitters: Uncertain significance (4). Last evaluated 2025-12-11.

Conditions:
Cardiomyopathy (CMYO). Also called: Cardiomyopathies. Identifiers: Orphanet 167848, MedGen C0878544, MONDO:0004994, HP:0001638. Inheritance: Various modes of inheritance.
Cardiovascular phenotype. Identifiers: MedGen CN230736.
Catecholaminergic polymorphic ventricular tachycardia 1. Also called: RYR2-Related Catecholaminergic Polymorphic Ventricular Tachycardia; VENTRICULAR TACHYCARDIA, CATECHOLAMINERGIC POLYMORPHIC, 1, WITH OR WITHOUT ATRIAL DYSFUNCTION AND/OR DILATED CARDIOMYOPATHY; VENTRICULAR TACHYCARDIA, STRESS-INDUCED POLYMORPHIC 1. Identifiers: Orphanet 3286, MedGen C1631597, MONDO:0011484, OMIM 604772.

gnomAD v4.1: 1 of 1,607,076 alleles (0.000062%); highest among the groups gnomAD compares: African/African-American, 0.0013%; no homozygotes.

Submissions (4):

Ambry Genetics
Classification: Uncertain significance for Cardiovascular phenotype. Last evaluated: 2025-12-11. Review status: criteria provided, single submitter. Criteria: Ambry Variant Classification Scheme 2023. Collection method: clinical testing. Allele origin: germline.
Comment: The p.A3165T variant (also known as c.9493G>A), located in coding exon 67 of the RYR2 gene, results from a G to A substitution at nucleotide position 9493. The alanine at codon 3165 is replaced by threonine, an amino acid with similar properties. This amino acid position is conserved. In addition, the in silico prediction for this alteration is inconclusive. Based on the available evidence, the clinical significance of this variant remains unclear.

Color Diagnostics, LLC DBA Color Health
Classification: Uncertain significance for Cardiomyopathy. Last evaluated: 2025-09-05. Review status: criteria provided, single submitter. Criteria: ACMG Guidelines, 2015. Collection method: clinical testing. Allele origin: germline.
Comment: This missense variant replaces alanine with threonine at codon 3165 of the RYR2 protein. Computational prediction suggests that this variant may have deleterious impact on protein structure and function. To our knowledge, functional studies have not been reported for this variant. This variant has not been reported in individuals affected with RYR2-related disorders in the literature. This variant has not been identified in the general population by the Genome Aggregation Database (gnomAD). The available evidence is insufficient to determine the role of this variant in disease conclusively. Therefore, this variant is classified as a Variant of Uncertain Significance.

GeneDx
Classification: Uncertain significance. Last evaluated: 2025-07-01. Review status: criteria provided, single submitter. Criteria: GeneDx Variant Classification Process June 2021. Collection method: clinical testing. Allele origin: germline. Affected: yes.
Comment: Not observed at significant frequency in large population cohorts (gnomAD); In silico analysis supports that this missense variant has a deleterious effect on protein structure/function; Has not been previously published as pathogenic or benign to our knowledge; Not located in one of the three hot-spot regions of the RYR2 gene, where the majority of pathogenic missense variants occur (PMID: 19926015); This variant is associated with the following publications: (PMID: 19926015)

Labcorp Genetics (formerly Invitae), Labcorp
Classification: Uncertain significance for Catecholaminergic polymorphic ventricular tachycardia 1. Last evaluated: 2024-08-01. Review status: criteria provided, single submitter. Criteria: Invitae Variant Classification Sherloc (09022015). Collection method: clinical testing. Allele origin: germline.
Comment: This sequence change replaces alanine, which is neutral and non-polar, with threonine, which is neutral and polar, at codon 3165 of the RYR2 protein (p.Ala3165Thr). This variant is not present in population databases (gnomAD no frequency). This variant has not been reported in the literature in individuals affected with RYR2-related conditions. Advanced modeling of protein sequence and biophysical properties (such as structural, functional, and spatial information, amino acid conservation, physicochemical variation, residue mobility, and thermodynamic stability) performed at Invitae indicates that this missense variant is not expected to disrupt RYR2 protein function with a negative predictive value of 95%. In summary, the available evidence is currently insufficient to determine the role of this variant in disease. Therefore, it has been classified as a Variant of Uncertain Significance.